The following is an entry in ClinVar:

NM_033380.3(COL4A5):c.4180G>T (p.Gly1394Cys)

Gene: COL4A5 (collagen type IV alpha 5 chain; plus strand). Cytogenetic location: Xq22.3.
Variant type: single nucleotide variant.
Coding change: c.4180G>T on transcript NM_033380.3 (MANE Select); coding-DNA position 4180, G replaced by T.
Protein change: p.Gly1394Cys; replaces glycine 1394 with cysteine.
Molecular consequence: missense variant.
Genome position (GRCh38, 1-based): chrX:108,681,852, G>T. VCF-style: chrX-108681852-G-T. GRCh37 (hg19) VCF-style: chrX-107925082-G-T.
Other names: c.4162G>T, p.Gly1388Cys (NM_000495.5); short protein forms G1394C, G1388C.
Identifiers: ClinVar variation 2732386 (VCV002732386.3), dbSNP rs1339067074, ClinGen allele CA413852320.

ClinVar aggregate classification (germline): Likely pathogenic (1 of 4 stars; one submission).

Allele frequency attached by ClinVar (database versions not stated): gnomAD 0.00001.
gnomAD v4.1: 7 of 1,207,870 alleles (0.00058%); highest among the groups gnomAD compares: Non-Finnish European, 0.00078%; no homozygotes.

Submission:

Labcorp Genetics (formerly Invitae), Labcorp
Classification: Likely pathogenic. Last evaluated: 2024-01-24. Review status: criteria provided, single submitter. Criteria: Invitae Variant Classification Sherloc (09022015). Collection method: clinical testing. Allele origin: germline.
Comment: This sequence change replaces glycine, which is neutral and non-polar, with cysteine, which is neutral and slightly polar, at codon 1388 of the COL4A5 protein (p.Gly1388Cys). This variant is present in population databases (no rsID available, gnomAD 0.003%). This variant has not been reported in the literature in individuals affected with COL4A5-related conditions. Advanced modeling of protein sequence and biophysical properties (such as structural, functional, and spatial information, amino acid conservation, physicochemical variation, residue mobility, and thermodynamic stability) performed at Invitae indicates that this missense variant is expected to disrupt COL4A5 protein function with a positive predictive value of 95%. This variant disrupts the triple helix domain of COL4A5. Glycine residues within the Gly-Xaa-Yaa repeats of the triple helix domain are required for the structure and stability of fibrillar collagens (PMID: 7695699, 8218237, 19344236). In COL4A5, missense variants at these glycine residues are significantly enriched in individuals with disease (PMID: 23720012, 27627812) compared to the general population (ExAC). In summary, the currently available evidence indicates that the variant is pathogenic, but additional data are needed to prove that conclusively. Therefore, this variant has been classified as Likely Pathogenic.

Literature cited by the submitters: PubMed 7695699; PubMed 8218237; PubMed 19344236; PubMed 23720012; PubMed 27627812.